The following is an entry in ClinVar:

NM_003742.4(ABCB11):c.3230dup (p.Ile1078fs)

Gene: ABCB11 (ATP binding cassette subfamily B member 11; minus strand). Cytogenetic location: 2q31.1.
Variant type: Duplication.
Coding change: c.3230dup on transcript NM_003742.4 (MANE Select); coding-DNA position 3230, one base duplicated (A; older notation c.3230dupA).
Protein change: p.Ile1078fs; shifts the reading frame from isoleucine 1078.
Molecular consequence: frameshift variant.
Genome position (GRCh38, 1-based): chr2:168,930,846, T duplicated on the plus strand (A on the coding strand, the reverse complement: ABCB11 is on the minus strand); the first of 2 consecutive T bases (chr2:168,930,846-168,930,847); duplicating either gives the same sequence. VCF-style (leftmost placement, unchanged base first): chr2-168930845-C-CT. GRCh37 (hg19) VCF-style: chr2-169787355-C-CT.
Other names: short protein forms I1078fs.
Identifiers: ClinVar variation 3358867 (VCV003358867.2).
Genomic context (GRCh38, chr2:168,930,845, plus strand): 5'-ATTCAGAACTTGCGAGTCAGGTCGAGAAGGATATGTAAATTTACAATCAACAAAATCAAT[C>CT]TTCCCCTGGAAGTTGTCCTGTGGATGGGAGGATCAAAATTAGAGATGCTCTTACTGAAGC-3'

ClinVar aggregate classification (germline): Pathogenic (1 of 4 stars; one submission).

Conditions:
Progressive familial intrahepatic cholestasis type 2. Identifiers: Orphanet 79304, MedGen C3489789, MONDO:0011156, OMIM 601847.

Submission:

Kasturba Medical College, Manipal, Kasturba Medical College, Manipal, Manipal Academy of Higher Education, Manipal, India
Classification: Pathogenic for Progressive familial intrahepatic cholestasis type 2. Review status: criteria provided, single submitter. Criteria: ACMG Guidelines, 2015. Collection method: clinical testing. Allele origin: biparental. Inheritance: Autosomal recessive inheritance. Affected: yes. Observed: 1 homozygote.
Comment: This variant leads to shift in the reading frame likely to result in premature truncation of the transcript which may either undergo nonsense mediated decay or result in the formation of a truncated ABCB11 protein.